The following is an entry in ClinVar:

ClinVar aggregate classification (germline): Likely benign. Review status: criteria provided, multiple submitters, no conflicts (2 of 4 stars). 4 submissions from 4 submitters: Likely benign (4). Last evaluated 2025-11-12.

Conditions:
Cardiovascular phenotype. Identifiers: MedGen CN230736.
Familial hypercholesterolemia. Also called: Familial hypercholesterolaemia; Familial hypercholesterolemias. Identifiers: MedGen C0020445, MONDO:0005439.
Hypercholesterolemia, autosomal dominant, 3 (FHCL3). Also called: PCSK9-Related Familial Hypercholesterolemia, Autosomal Dominant; Familial Hypercholesterolemia, Autosomal Dominant, 3; Familial hypercholesterolemia 3. Identifiers: MedGen C1863551, MONDO:0011369, OMIM 603776.

Allele frequency attached by ClinVar (database versions not stated): gnomAD exomes below 0.00001.
gnomAD v4.1: 3 of 1,551,386 alleles (0.00019%); highest among the groups gnomAD compares: South Asian, 0.0012%; no homozygotes.

Submissions (4):

Labcorp Genetics (formerly Invitae), Labcorp
Classification: Likely benign for Hypercholesterolemia, autosomal dominant, 3. Last evaluated: 2025-11-12. Review status: criteria provided, single submitter. Criteria: Invitae Variant Classification Sherloc (09022015). Collection method: clinical testing. Allele origin: germline.

All of Us Research Program, National Institutes of Health
Classification: Likely benign for Hypercholesterolemia, autosomal dominant, 3. Last evaluated: 2024-07-29. Review status: criteria provided, single submitter. Criteria: ACMG Guidelines, 2015. Collection method: clinical testing. Allele origin: germline. Inheritance: Autosomal dominant inheritance. Observed: 1 variant allele, 1 heterozygote.
Comment: This study involves interpretation of variants in research participants for the purpose of population health screening. Participant phenotype was not available at the time of variant classification. Additional details can be found in publication PMID: 35346344, PMCID: PMC8962531

Color Diagnostics, LLC DBA Color Health
Classification: Likely benign for Familial hypercholesterolemia. Last evaluated: 2024-05-14. Review status: criteria provided, single submitter. Criteria: ACMG Guidelines, 2015. Collection method: clinical testing. Allele origin: germline.

Ambry Genetics
Classification: Likely benign for Cardiovascular phenotype. Last evaluated: 2020-10-18. Review status: criteria provided, single submitter. Criteria: Ambry Variant Classification Scheme 2023. Collection method: clinical testing. Allele origin: germline.

NM_174936.4(PCSK9):c.1656C>T (p.Cys552=)

Gene: PCSK9 (proprotein convertase subtilisin/kexin type 9; plus strand). Cytogenetic location: 1p32.3.
Variant type: single nucleotide variant.
Coding change: c.1656C>T on transcript NM_174936.4 (MANE Select); coding-DNA position 1656, C replaced by T.
Protein change: p.Cys552=; no amino-acid change (cysteine 552 retained).
Molecular consequence: synonymous variant. On other transcripts: non-coding transcript variant (7), intron variant (1).
Genome position (GRCh38, 1-based): chr1:55,059,638, C>T. VCF-style: chr1-55059638-C-T. GRCh37 (hg19) VCF-style: chr1-55525311-C-T.
Other names: c.1181-1737C>T (NM_001407247.1); c.1659C>T, p.Cys553= (NM_001407242.1); c.1599C>T, p.Cys533= (NM_001407243.1); c.1779C>T, p.Cys593= (NM_001407240.1); c.1698C>T, p.Cys566= (NM_001407241.1); c.1482C>T, p.Cys494= (NM_001407244.1); c.1464C>T, p.Cys488= (NM_001407245.1); c.1281C>T, p.Cys427= (NM_001407246.1).
Identifiers: ClinVar variation 1576824 (VCV001576824.13), dbSNP rs1177467649, ClinGen allele CA417960458.